The following is an entry in ClinVar:

NM_000081.4(LYST):c.5970A>T (p.Arg1990Ser)

Gene: LYST (lysosomal trafficking regulator; minus strand). Cytogenetic location: 1q42.3.
Variant type: single nucleotide variant.
Coding change: c.5970A>T on transcript NM_000081.4 (MANE Select); coding-DNA position 5970, A replaced by T.
Protein change: p.Arg1990Ser; replaces arginine 1990 with serine.
Molecular consequence: missense variant.
Genome position (GRCh38, 1-based): chr1:235,766,230, T>A on the plus strand (A>T on the coding strand, the complement: LYST is on the minus strand). VCF-style: chr1-235766230-T-A. GRCh37 (hg19) VCF-style: chr1-235929530-T-A.
Other names: p.Arg1990Ser; c.5970A>T, p.Arg1990Ser (NM_001301365.1); short protein forms R1990S.
Identifiers: ClinVar variation 4542400 (VCV004542400.1).

ClinVar aggregate classification (germline): Uncertain significance (1 of 4 stars; one submission).

Submission:

Mayo Clinic Laboratories, Mayo Clinic
Classification: Uncertain significance. Last evaluated: 2025-01-08. Review status: criteria provided, single submitter. Criteria: ACMG Guidelines, 2015. Collection method: clinical testing. Allele origin: germline. Observed: 1 variant allele.
Comment: BP4_moderate, PM2_supporting